The following is an entry in ClinVar:

ClinVar aggregate classification (germline): Likely benign (1 of 4 stars; one submission).

Allele frequency attached by ClinVar (database versions not stated): ExAC 0.00002; gnomAD 0.00002; TOPMed 0.00006.
gnomAD v4.1: 35 of 1,613,782 alleles (0.0022%); highest among the groups gnomAD compares: East Asian, 0.011%; no homozygotes.

Submission:

CeGaT Center for Human Genetics Tuebingen
Classification: Likely benign. Last evaluated: 2023-03-01. Review status: criteria provided, single submitter. Criteria: CeGaT Center For Human Genetics Tuebingen Variant Classification Criteria Version 2. Collection method: clinical testing. Allele origin: germline. Affected: yes. Observed: 1 variant allele.
Comment: DPP6: BP4, BP7

NM_130797.4(DPP6):c.1446C>T (p.Ser482=)

Gene: DPP6 (dipeptidyl peptidase like 6; plus strand). Cytogenetic location: 7q36.2.
Variant type: single nucleotide variant.
Coding change: c.1446C>T on transcript NM_130797.4 (MANE Select); coding-DNA position 1446, C replaced by T.
Protein change: p.Ser482=; no amino-acid change (serine 482 retained).
Molecular consequence: synonymous variant. On other transcripts: non-coding transcript variant (2).
Genome position (GRCh38, 1-based): chr7:154,803,902, C>T. VCF-style: chr7-154803902-C-T. GRCh37 (hg19) VCF-style: chr7-154595612-C-T.
Other names: c.1254C>T, p.Ser418= (NM_001039350.3); c.1125C>T, p.Ser375= (NM_001290252.2); c.1263C>T, p.Ser421= (NM_001364497.2, NM_001364498.2, NM_001364499.2 and 1 more transcripts); c.1260C>T, p.Ser420= (NM_001936.5).
Identifiers: ClinVar variation 2658266 (VCV002658266.24), dbSNP rs753202667, ClinGen allele CA4583555.